The following is an entry in ClinVar:

ClinVar aggregate classification (germline): Pathogenic (1 of 4 stars; one submission).

Conditions:
Neuronal ceroid lipofuscinosis 2. Also called: TPP1-Related Neuronal Ceroid-Lipofuscinosis; JANSKY-BIELSCHOWSKY DISEASE NEURONAL CEROID LIPOFUSCINOSIS, LATE INFANTILE. Identifiers: Orphanet 168491, Orphanet 228349, Orphanet 79264, MedGen C1876161, MONDO:0008769, OMIM 204500.

Submission:

Myriad Genetics, Inc.
Classification: Pathogenic for Neuronal ceroid lipofuscinosis 2. Last evaluated: 2025-03-02. Review status: criteria provided, single submitter. Criteria: Myriad Autosomal Dominant, Autosomal Recessive and X-Linked Classification Criteria (2023). Collection method: clinical testing. Allele origin: unknown.
Comment: NM_000391.3(TPP1):c.514_515delGGinsT(G172Yfs*11) is expected to be pathogenic in the context of TPP1-related neuronal ceroid lipofuscinosis. This variant is predicted to lead to an abnormal or absent protein product due to the creation of a premature termination codon in TPP1, a gene where loss-of-function variants are known to be pathogenic. Please note: this variant was assessed in the context of healthy population screening.

NM_000391.4(TPP1):c.514_515delinsT (p.Gly172fs)

Gene: TPP1 (tripeptidyl peptidase 1; minus strand). Cytogenetic location: 11p15.4.
Variant type: Indel.
Coding change: c.514_515delinsT on transcript NM_000391.4 (MANE Select); coding-DNA positions 514 to 515, GG replaced by T.
Protein change: p.Gly172fs; shifts the reading frame from glycine 172.
Molecular consequence: frameshift variant.
Genome position (GRCh38, 1-based): chr11:6,617,147-6,617,148, CC replaced by A on the plus strand (GG replaced by T on the coding strand, the reverse complement: TPP1 is on the minus strand). VCF-style: chr11-6617147-CC-A. GRCh37 (hg19) VCF-style: chr11-6638378-CC-A.
Other names: short protein forms G172fs.
Identifiers: ClinVar variation 5014172 (VCV005014172.1).
Genomic context (GRCh38, chr11:6,617,147, plus strand): 5'-CCTGTCACCTGCGGCTCAGGACGTTGCCTCAGGGATGATGTTGGGGGAAAACGGTGCAGT[CC>A]CCCCACTGTAGGGAGAAGTCAGGCTTGAGGAGATCTTATAGACTGTAATGCCCACCTTAC-3'